The following is an entry in ClinVar:

ClinVar aggregate classification (germline): Uncertain significance. Review status: criteria provided, multiple submitters, no conflicts (2 of 4 stars). 2 submissions from 2 submitters: Uncertain significance (2). Last evaluated 2022-04-13.

Conditions:
X-linked Alport syndrome (ATS1). Also called: COL4A5-Related Nephropathy; NEPHROPATHY AND DEAFNESS, X-LINKED. Identifiers: Orphanet 63, Orphanet 88917, MedGen C4746986, MONDO:0010520, OMIM 301050.

Submissions (2):

Fulgent Genetics
Classification: Uncertain significance for X-linked Alport syndrome. Last evaluated: 2022-04-13. Review status: criteria provided, single submitter. Criteria: ACMG Guidelines, 2015. Collection method: clinical testing. Allele origin: unknown.

Labcorp Genetics (formerly Invitae), Labcorp
Classification: Uncertain significance. Last evaluated: 2022-02-02. Review status: criteria provided, single submitter. Criteria: Invitae Variant Classification Sherloc (09022015). Collection method: clinical testing. Allele origin: germline.
Comment: This sequence change replaces glycine, which is neutral and non-polar, with cysteine, which is neutral and slightly polar, at codon 478 of the COL4A5 protein (p.Gly478Cys). In summary, the available evidence is currently insufficient to determine the role of this variant in disease. Therefore, it has been classified as a Variant of Uncertain Significance. Advanced modeling of protein sequence and biophysical properties (such as structural, functional, and spatial information, amino acid conservation, physicochemical variation, residue mobility, and thermodynamic stability) performed at Invitae indicates that this missense variant is expected to disrupt COL4A5 protein function. This variant has not been reported in the literature in individuals affected with COL4A5-related conditions. This variant is not present in population databases (gnomAD no frequency).

NM_033380.3(COL4A5):c.1432G>T (p.Gly478Cys)

Gene: COL4A5 (collagen type IV alpha 5 chain; plus strand). Cytogenetic location: Xq22.3.
Variant type: single nucleotide variant.
Coding change: c.1432G>T on transcript NM_033380.3 (MANE Select); coding-DNA position 1432, G replaced by T.
Protein change: p.Gly478Cys; replaces glycine 478 with cysteine.
Molecular consequence: missense variant.
Genome position (GRCh38, 1-based): chrX:108,595,517, G>T. VCF-style: chrX-108595517-G-T. GRCh37 (hg19) VCF-style: chrX-107838747-G-T.
Other names: c.1432G>T, p.Gly478Cys (NM_000495.5); short protein forms G478C.
Identifiers: ClinVar variation 1513803 (VCV001513803.9), dbSNP rs764743086, ClinGen allele CA413935433.